The following is an entry in ClinVar:

NM_024642.5(GALNT12):c.1281_1296del (p.Trp427fs)

Gene: GALNT12 (polypeptide N-acetylgalactosaminyltransferase 12; plus strand). Cytogenetic location: 9q22.33.
Variant type: Deletion.
Coding change: c.1281_1296del on transcript NM_024642.5 (MANE Select); coding-DNA positions 1281 to 1296, 16 bases deleted (GTTCTTGGAGACTGTG).
Protein change: p.Trp427fs; shifts the reading frame from tryptophan 427.
Molecular consequence: frameshift variant.
Genome position (GRCh38, 1-based): chr9:98,840,070-98,840,085, GTTCTTGGAGACTGTG deleted; deleting any 16 consecutive bases within chr9:98,840,067-98,840,085 gives the same sequence; the c. name uses the placement nearest the transcript's 3' end. VCF-style (leftmost placement, unchanged base first): chr9-98840066-AGTGGTTCTTGGAGACT-A. GRCh37 (hg19) VCF-style: chr9-101602348-AGTGGTTCTTGGAGACT-A.
Other names: c.1281_1296del (NM_024642.4); short protein forms W427fs.
Identifiers: ClinVar variation 496665 (VCV000496665.12), dbSNP rs1472145598, ClinGen allele CA090942.
Genomic context (GRCh38, chr9:98,840,066, plus strand): 5'-CTTTTGGGGATGTGACAGAGAGGAAGCAGCTCCGGGACAAGCTCCAGTGTAAAGACTTCA[AGTGGTTCTTGGAGACT>A]GTGTATCCAGAACTGCATGTGCCTGAGGACAGGCCTGGCTTCTTCGGGATGGTGAGTGAG-3'

ClinVar aggregate classification (germline): Uncertain significance. Review status: criteria provided, multiple submitters, no conflicts (2 of 4 stars). 5 submissions from 5 submitters: Uncertain significance (5). Last evaluated 2025-11-17.

Conditions:
Colorectal cancer. Also called: Colorectal cancer, somatic; Malignant Colorectal Neoplasm. Identifiers: MedGen C0346629, MONDO:0005575, OMIM 114500.
Colorectal cancer, susceptibility to, 1. Also called: COLORECTAL ADENOMA AND CANCER, SUSCEPTIBILITY TO; COLORECTAL CANCER, SUSCEPTIBILITY TO, ON CHROMOSOME 9. Identifiers: MedGen C1837315, MONDO:0012132, OMIM 608812.

Submissions (5):

Labcorp Genetics (formerly Invitae), Labcorp
Classification: Uncertain significance. Last evaluated: 2025-11-17. Review status: criteria provided, single submitter. Criteria: Invitae Variant Classification Sherloc (09022015). Collection method: clinical testing. Allele origin: germline.
Comment: This sequence change creates a premature translational stop signal (p.Trp427Cysfs*23) in the GALNT12 gene. It is expected to result in an absent or disrupted protein product. However, the current clinical and genetic evidence is not sufficient to establish whether loss-of-function variants in GALNT12 cause disease. This variant is not present in population databases (gnomAD no frequency). This variant has not been reported in the literature in individuals affected with GALNT12-related conditions. ClinVar contains an entry for this variant (Variation ID: 496665). In summary, the available evidence is currently insufficient to determine the role of this variant in disease. Therefore, it has been classified as a Variant of Uncertain Significance.

Quest Diagnostics Nichols Institute San Juan Capistrano
Classification: Uncertain significance. Last evaluated: 2025-10-10. Review status: criteria provided, single submitter. Criteria: Quest Diagnostics criteria. Collection method: clinical testing. Allele origin: unknown.
Comment: The GALNT12 c.1281_1296del (p.Trp427Cysfs*23) variant is expected to result in the loss of functional protein. However, it is not known if such variants in this gene are associated with disease. This variant has not been reported in individuals with GALNT12-related conditions in the published literature. The frequency of this variant in the general population (Genome Aggregation Database) is uninformative in the assessment of its pathogenicity. Based on the available information, we are unable to determine the clinical significance of this variant.

Baylor Genetics
Classification: Uncertain significance for Colorectal cancer, susceptibility to, 1. Last evaluated: 2024-01-19. Review status: criteria provided, single submitter. Criteria: ACMG Guidelines, 2015. Collection method: clinical testing. Allele origin: unknown.

Ambry Genetics
Classification: Uncertain significance. Last evaluated: 2023-05-31. Review status: criteria provided, single submitter. Criteria: Ambry Variant Classification Scheme 2023. Collection method: clinical testing. Allele origin: germline.
Comment: The c.1281_1296del16 variant, located in coding exon 7 of the GALNT12 gene, results from a deletion of 16 nucleotides at nucleotide positions 1281 to 1296, causing a translational frameshift with a predicted alternate stop codon (p.W427Cfs*23). This alteration is expected to result in premature protein truncation or nonsense-mediated mRNA decay. The evidence for this gene-disease relationship is limited; therefore, the clinical significance of this alteration is unclear.

CSER _CC_NCGL, University of Washington
Classification: Uncertain significance for Colorectal cancer. Last evaluated: 2016-10-01. Review status: criteria provided, single submitter. Criteria: Amendola et al. (Genome Res. 2015). Collection method: research. Allele origin: germline. Affected: yes. Study: CSER - NEXT Medicine variant annotation.
Comment: This interpretation considers GERP score and allele frequency data, in addition to published reports of the variant in the literature, available at the time of review.